The following is an entry in ClinVar:

NM_000277.3(PAH):c.482T>C (p.Phe161Ser)

Gene: PAH (phenylalanine hydroxylase; minus strand). Cytogenetic location: 12q23.2.
Variant type: single nucleotide variant.
Coding change: c.482T>C on transcript NM_000277.3 (MANE Select); coding-DNA position 482, T replaced by C.
Protein change: p.Phe161Ser; replaces phenylalanine 161 with serine.
Molecular consequence: missense variant.
Genome position (GRCh38, 1-based): chr12:102,866,623, A>G on the plus strand (T>C on the coding strand, the complement: PAH is on the minus strand). VCF-style: chr12-102866623-A-G. GRCh37 (hg19) VCF-style: chr12-103260401-A-G.
Other names: c.482T>C (NM_000277.2); c.482T>C, p.Phe161Ser (NM_001354304.2); short protein forms F161S.
Identifiers: ClinVar variation 102697 (VCV000102697.7), dbSNP rs79635844, ClinGen allele CA229575.

ClinVar aggregate classification (germline): Pathogenic. Review status: criteria provided, multiple submitters, no conflicts (2 of 4 stars). 5 submissions from 5 submitters: Pathogenic (3). 2 of the submissions do not count toward it. Last evaluated 2025-07-10.

Conditions:
Phenylketonuria (PKU). Also called: Phenylketonurias; OLIGOPHRENIA PHENYLPYRUVICA; FOLLING DISEASE; Phenylketonuria (PKU). Identifiers: Orphanet 716, MedGen C0031485, MONDO:0009861, OMIM 261600. Disease mechanism: loss of function.

Allele frequency attached by ClinVar (database versions not stated): TOPMed below 0.00001.

Submissions (5):

Natera, Inc.
Classification: Pathogenic for Phenylketonuria. Last evaluated: 2025-07-10. Review status: criteria provided, single submitter. Criteria: Natera Variant Classification Schema (03/2026). Collection method: clinical testing. Allele origin: germline.
Comment: The c.482T>C variant in PAH is a missense variant predicted to cause substitution of phenylalanine to serine at amino acid 161. This variant is rare in the general population with a frequency below the threshold expected for the associated phenotype(s). This variant has been observed in one or more individuals affected with the associated recessive disease, as either homozygous or compound heterozygous with a second variant (PMID: 30050108). Computational prediction algorithms indicate this variant is likely to affect gene or protein function. Given the available evidence, this variant is classified as Pathogenic.

Fulgent Genetics
Classification: Pathogenic for Phenylketonuria. Last evaluated: 2022-04-14. Review status: criteria provided, single submitter. Criteria: ACMG Guidelines, 2015. Collection method: clinical testing. Allele origin: unknown.

Juno Genomics, Hangzhou Juno Genomics, Inc
Classification: Pathogenic for Phenylketonuria. Review status: criteria provided, single submitter. Criteria: ACMG Guidelines, 2015. Collection method: clinical testing. Allele origin: germline.
Comment: Absent from controls (or at extremely low frequency if recessive) in Genome Aggregation Database.;Multiple lines of computational evidence support a deleterious effect on the gene or gene product.;For recessive disorders, detected in trans with a pathogenic variant.;Patient's phenotype or family history is highly specific for a disease with a single genetic etiology.

Counsyl
Classification: Likely pathogenic for Phenylketonuria. Last evaluated: 2018-05-31. Review status: no assertion criteria provided. Collection method: clinical testing. Allele origin: unknown. Not counted in ClinVar's aggregate classification.

DeBelle Laboratory for Biochemical Genetics, MUHC/MCH RESEARCH INSTITUTE
No classification provided. Review status: no classification provided. Collection method: not provided. Allele origin: not provided. Not counted in ClinVar's aggregate classification.

Literature cited by the submitters: PubMed 30050108 (cited by Natera, Inc.); PubMed 21953985 (cited by Counsyl); PubMed 1639423 (cited by Counsyl); PubMed 16256386 (cited by Counsyl).